The following is an entry in ClinVar:

ClinVar aggregate classification (germline): Uncertain significance. Review status: criteria provided, multiple submitters, no conflicts (2 of 4 stars). 2 submissions from 2 submitters: Uncertain significance (2). Last evaluated 2025-10-07.

Allele frequency attached by ClinVar (database versions not stated): gnomAD exomes below 0.00001.
gnomAD v4.1: 1 of 1,614,230 alleles (0.000062%); highest among the groups gnomAD compares: Non-Finnish European, 0.000085%; no homozygotes.

Submissions (2):

Ambry Genetics
Classification: Uncertain significance. Last evaluated: 2025-10-07. Review status: criteria provided, single submitter. Criteria: Ambry Variant Classification Scheme 2023. Collection method: clinical testing. Allele origin: germline.
Comment: The p.R49K variant (also known as c.146G>A), located in coding exon 1 of the RNF43 gene, results from a G to A substitution at nucleotide position 146. The arginine at codon 49 is replaced by lysine, an amino acid with highly similar properties. This amino acid position is conserved. In addition, this alteration is predicted to be tolerated by in silico analysis. Based on the available evidence, the clinical significance of this variant remains unclear.

Institute for Clinical Genetics, University Hospital TU Dresden, University Hospital TU Dresden
Classification: Uncertain significance. Last evaluated: 2021-11-03. Review status: criteria provided, single submitter. Criteria: ACMG Guidelines, 2015. Collection method: clinical testing. Allele origin: germline.

NM_017763.6(RNF43):c.146G>A (p.Arg49Lys)

Gene: RNF43 (ring finger protein 43; minus strand). Cytogenetic location: 17q22.
Variant type: single nucleotide variant.
Coding change: c.146G>A on transcript NM_017763.6 (MANE Select); coding-DNA position 146, G replaced by A.
Protein change: p.Arg49Lys; replaces arginine 49 with lysine.
Molecular consequence: missense variant.
Genome position (GRCh38, 1-based): chr17:58,415,432, C>T on the plus strand (G>A on the coding strand, the complement: RNF43 is on the minus strand). VCF-style: chr17-58415432-C-T. GRCh37 (hg19) VCF-style: chr17-56492793-C-T.
Other names: c.146G>A, p.Arg49Lys (NM_001305544.3); short protein forms R49K.
Identifiers: ClinVar variation 1319733 (VCV001319733.4), dbSNP rs2143695776, ClinGen allele CA400358452.